The following is an entry in ClinVar:

NM_006017.3(PROM1):c.1450A>G (p.Met484Val)

Gene: PROM1 (prominin 1; minus strand). Cytogenetic location: 4p15.32.
Variant type: single nucleotide variant.
Coding change: c.1450A>G on transcript NM_006017.3 (MANE Select); coding-DNA position 1450, A replaced by G.
Protein change: p.Met484Val; replaces methionine 484 with valine.
Molecular consequence: missense variant.
Genome position (GRCh38, 1-based): chr4:16,006,542, T>C on the plus strand (A>G on the coding strand, the complement: PROM1 is on the minus strand). VCF-style: chr4-16006542-T-C. GRCh37 (hg19) VCF-style: chr4-16008165-T-C.
Other names: c.1423A>G, p.Met475Val (NM_001145847.2, NM_001145848.2, NM_001145851.2 and 4 more transcripts); c.1450A>G, p.Met484Val (NM_001145849.2, NM_001145850.2); short protein forms M484V, M475V.
Identifiers: ClinVar variation 1495448 (VCV001495448.8), dbSNP rs574974703, ClinGen allele CA2866768.
Genomic context (GRCh38, chr4:16,006,542, plus strand): 5'-CCCAGTCTCTCTCCTGCATTCCCACTCCCACATGACAGAGAGGAGCAGACACTCACACCA[T>C]GAGGAAGACGCCTCCGGTGTTGGAGACACAGCCTCGGGTGGTCGGGGTGGCATGCCTGTC-3'
Protein context (NP_006008.1, residues 474-494): CVSNTGGVFL[Met484Val]VGVGLSFLFC

ClinVar aggregate classification (germline): Uncertain significance. Review status: criteria provided, multiple submitters, no conflicts (2 of 4 stars). 3 submissions from 3 submitters: Uncertain significance (3). Last evaluated 2025-07-02.

Conditions:
Cone-rod dystrophy 12 (CORD12). Identifiers: Orphanet 1872, MedGen C2675210, MONDO:0012983, OMIM 612657.
Stargardt disease 4 (STGD4). Identifiers: Orphanet 827, MedGen C1863534, MONDO:0011370, OMIM 603786.
Retinitis pigmentosa 41 (RP41). Also called: RETINAL DEGENERATION, AUTOSOMAL RECESSIVE, PROMININ-RELATED. Identifiers: Orphanet 791, MedGen C2677516, MONDO:0012796, OMIM 612095.
Retinal macular dystrophy type 2 (MCDR2). Also called: Bull's eye macular dystrophy. Identifiers: Orphanet 319640, MedGen C4749334, MONDO:0011957, OMIM 608051.

Allele frequency attached by ClinVar (database versions not stated): gnomAD 0.00001; TOPMed 0.00001; gnomAD exomes 0.00003; ExAC 0.00014; 1000 Genomes Project 30x 0.00016; 1000 Genomes Project 0.00020.
gnomAD v4.1: 39 of 1,589,200 alleles (0.0025%); highest among the groups gnomAD compares: South Asian, 0.008%; 1 homozygote.

Submissions (3):

Labcorp Genetics (formerly Invitae), Labcorp
Classification: Uncertain significance. Last evaluated: 2025-07-02. Review status: criteria provided, single submitter. Criteria: Invitae Variant Classification Sherloc (09022015). Collection method: clinical testing. Allele origin: germline.
Comment: This sequence change replaces methionine, which is neutral and non-polar, with valine, which is neutral and non-polar, at codon 484 of the PROM1 protein (p.Met484Val). This variant is present in population databases (rs574974703, gnomAD 0.007%). This variant has not been reported in the literature in individuals affected with PROM1-related conditions. ClinVar contains an entry for this variant (Variation ID: 1495448). Invitae Evidence Modeling of protein sequence and biophysical properties (such as structural, functional, and spatial information, amino acid conservation, physicochemical variation, residue mobility, and thermodynamic stability) indicates that this missense variant is expected to disrupt PROM1 protein function with a positive predictive value of 80%. In summary, the available evidence is currently insufficient to determine the role of this variant in disease. Therefore, it has been classified as a Variant of Uncertain Significance.

Blueprint Genetics
Classification: Uncertain significance. Last evaluated: 2022-08-02. Review status: criteria provided, single submitter. Criteria: ACMG Guidelines, 2015. Collection method: clinical testing. Allele origin: germline.

Fulgent Genetics
Classification: Uncertain significance for Stargardt disease 4; Retinal macular dystrophy type 2; Retinitis pigmentosa 41; Cone-rod dystrophy 12. Last evaluated: 2022-01-22. Review status: criteria provided, single submitter. Criteria: ACMG Guidelines, 2015. Collection method: clinical testing. Allele origin: unknown.